The following is an entry in ClinVar:

NM_001448.3(GPC4):c.451G>A (p.Val151Met)

Gene: GPC4 (glypican 4; minus strand). Cytogenetic location: Xq26.2.
Variant type: single nucleotide variant.
Coding change: c.451G>A on transcript NM_001448.3 (MANE Select); coding-DNA position 451, G replaced by A.
Protein change: p.Val151Met; replaces valine 151 with methionine.
Molecular consequence: missense variant.
Genome position (GRCh38, 1-based): chrX:133,324,405, C>T on the plus strand (G>A on the coding strand, the complement: GPC4 is on the minus strand). VCF-style: chrX-133324405-C-T. GRCh37 (hg19) VCF-style: chrX-132458433-C-T.
Other names: short protein forms V151M.
Identifiers: ClinVar variation 3282121 (VCV003282121.15).

ClinVar aggregate classification (germline): Conflicting classifications of pathogenicity. Review status: criteria provided, conflicting classifications (1 of 4 stars). 2 submissions from 2 submitters: Uncertain significance (1); Likely benign (1). Last evaluated 2024-11-01.

Conditions:
Inborn genetic diseases. Identifiers: MedGen C0950123, MeSH D030342.

gnomAD v4.1: 32 of 1,209,663 alleles (0.0026%); highest among the groups gnomAD compares: Non-Finnish European, 0.0032%; no homozygotes.

Submissions (2):

CeGaT Center for Human Genetics Tuebingen
Classification: Likely benign. Last evaluated: 2024-11-01. Review status: criteria provided, single submitter. Criteria: CeGaT Center For Human Genetics Tuebingen Variant Classification Criteria Version 2. Collection method: clinical testing. Allele origin: germline. Affected: yes. Observed: 1 variant allele.
Comment: GPC4: BS2

Ambry Genetics
Classification: Uncertain significance for Inborn genetic diseases. Last evaluated: 2024-06-10. Review status: criteria provided, single submitter. Criteria: Ambry Variant Classification Scheme 2023. Collection method: clinical testing. Allele origin: germline.